The following is an entry in ClinVar:

NM_152703.5(SAMD9L):c.3256C>G (p.Gln1086Glu)

Gene: SAMD9L (sterile alpha motif domain containing 9 like; minus strand). Cytogenetic location: 7q21.2.
Variant type: single nucleotide variant.
Coding change: c.3256C>G on transcript NM_152703.5 (MANE Select); coding-DNA position 3256, C replaced by G.
Protein change: p.Gln1086Glu; replaces glutamine 1086 with glutamic acid.
Molecular consequence: missense variant.
Genome position (GRCh38, 1-based): chr7:93,132,716, G>C on the plus strand (C>G on the coding strand, the complement: SAMD9L is on the minus strand). VCF-style: chr7-93132716-G-C. GRCh37 (hg19) VCF-style: chr7-92762029-G-C.
Other names: c.3256C>G, p.Gln1086Glu (NM_001303496.3, NM_001303497.3, NM_001303498.3 and 5 more transcripts); c.3256C>G (NM_152703.2); short protein forms Q1086E.
Identifiers: ClinVar variation 1515200 (VCV001515200.7), dbSNP rs967245936, ClinGen allele CA161959561.

ClinVar aggregate classification (germline): Uncertain significance. Review status: criteria provided, multiple submitters, no conflicts (2 of 4 stars). 2 submissions from 2 submitters: Uncertain significance (2). Last evaluated 2025-01-09.

Conditions:
Inborn genetic diseases. Identifiers: MedGen C0950123, MeSH D030342.

Allele frequency attached by ClinVar (database versions not stated): TOPMed 0.00001.

Submissions (2):

Ambry Genetics
Classification: Uncertain significance for Inborn genetic diseases. Last evaluated: 2025-01-09. Review status: criteria provided, single submitter. Criteria: Ambry Variant Classification Scheme 2023. Collection method: clinical testing. Allele origin: germline.
Comment: The p.Q1086E variant (also known as c.3256C>G), located in coding exon 1 of the SAMD9L gene, results from a C to G substitution at nucleotide position 3256. The glutamine at codon 1086 is replaced by glutamic acid, an amino acid with highly similar properties. This amino acid position is conserved. In addition, the in silico prediction for this alteration is inconclusive. Based on the available evidence, the clinical significance of this variant remains unclear.

Labcorp Genetics (formerly Invitae), Labcorp
Classification: Uncertain significance. Last evaluated: 2022-02-02. Review status: criteria provided, single submitter. Criteria: Invitae Variant Classification Sherloc (09022015). Collection method: clinical testing. Allele origin: germline.
Comment: Experimental studies and prediction algorithms are not available or were not evaluated, and the functional significance of this variant is currently unknown. This variant has not been reported in the literature in individuals affected with SAMD9L-related conditions. This variant is not present in population databases (gnomAD no frequency). This sequence change replaces glutamine, which is neutral and polar, with glutamic acid, which is acidic and polar, at codon 1086 of the SAMD9L protein (p.Gln1086Glu). In summary, the available evidence is currently insufficient to determine the role of this variant in disease. Therefore, it has been classified as a Variant of Uncertain Significance.